The following is an entry in ClinVar:

NM_000135.4(FANCA):c.1256T>C (p.Phe419Ser)

Gene: FANCA (FA complementation group A; minus strand). Cytogenetic location: 16q24.3.
Variant type: single nucleotide variant.
Coding change: c.1256T>C on transcript NM_000135.4 (MANE Select); coding-DNA position 1256, T replaced by C.
Protein change: p.Phe419Ser; replaces phenylalanine 419 with serine.
Molecular consequence: missense variant.
Genome position (GRCh38, 1-based): chr16:89,791,506, A>G on the plus strand (T>C on the coding strand, the complement: FANCA is on the minus strand). VCF-style: chr16-89791506-A-G. GRCh37 (hg19) VCF-style: chr16-89857914-A-G.
Other names: c.1256T>C, p.Phe419Ser (NM_001286167.3); short protein forms F419S.
Identifiers: ClinVar variation 1991190 (VCV001991190.4), dbSNP rs2040075704, ClinGen allele CA397464393.

ClinVar aggregate classification (germline): Uncertain significance (1 of 4 stars; one submission).

Conditions:
Fanconi anemia (FA). Also called: Fanconi's anemia. Identifiers: Orphanet 84, MedGen C0015625, MeSH D005199, MONDO:0019391.

Allele frequency attached by ClinVar (database versions not stated): gnomAD exomes below 0.00001; TOPMed 0.00001.
gnomAD v4.1: 3 of 1,614,152 alleles (0.00019%); highest among the groups gnomAD compares: Non-Finnish European, 0.00025%; no homozygotes.

Submission:

Labcorp Genetics (formerly Invitae), Labcorp
Classification: Uncertain significance for Fanconi anemia. Last evaluated: 2023-04-13. Review status: criteria provided, single submitter. Criteria: Invitae Variant Classification Sherloc (09022015). Collection method: clinical testing. Allele origin: germline.
Comment: In summary, the available evidence is currently insufficient to determine the role of this variant in disease. Therefore, it has been classified as a Variant of Uncertain Significance. Advanced modeling of protein sequence and biophysical properties (such as structural, functional, and spatial information, amino acid conservation, physicochemical variation, residue mobility, and thermodynamic stability) performed at Invitae indicates that this missense variant is expected to disrupt FANCA protein function. ClinVar contains an entry for this variant (Variation ID: 1991190). This variant has not been reported in the literature in individuals affected with FANCA-related conditions. This variant is not present in population databases (gnomAD no frequency). This sequence change replaces phenylalanine, which is neutral and non-polar, with serine, which is neutral and polar, at codon 419 of the FANCA protein (p.Phe419Ser).